The following is an entry in ClinVar:

ClinVar aggregate classification (germline): Pathogenic/Likely pathogenic. Review status: criteria provided, multiple submitters, no conflicts (2 of 4 stars). 12 submissions from 12 submitters: Pathogenic (10); Likely pathogenic (2). Last evaluated 2026-09-25.

Conditions:
Hereditary cancer-predisposing syndrome. Also called: Neoplastic Syndromes, Hereditary; Hereditary Cancer Syndrome; Tumor predisposition; Hereditary neoplastic syndrome. Identifiers: Orphanet 140162, MedGen C0027672, MeSH D009386, MONDO:0015356.
CHEK2-related disorder.
CHEK2-related cancer predisposition (TPDS4). Also called: CHEK2-related cancer susceptibility; TUMOR PREDISPOSITION SYNDROME 4; CANCER PREDISPOSITION SYNDROME, CHEK2-RELATED. Identifiers: Orphanet 524, MedGen C5882668, MONDO:0700271, OMIM 609265.
Bone osteosarcoma. Also called: Osteosarcoma, somatic. Identifiers: Orphanet 668, MedGen C0585442, MONDO:0002629, OMIM 259500.
Familial prostate cancer. Also called: Hereditary Prostate Cancer. Identifiers: MedGen C2931456, MONDO:0700275, OMIM 176807.
Inherited breast cancer and ovarian cancer.
Familial cancer of breast. Also called: BREAST CANCER, FAMILIAL; hereditary breast carcinoma; Hereditary breast cancer. Identifiers: Orphanet 227535, MedGen C0346153, MONDO:0016419, OMIM 114480. Disease mechanism: loss of function.

Submissions (12):

Genetics Laboratory, Great Ormond Street Hospital NHS Foundation Trust, North Thames Genomic Laboratory Hub
Classification: Pathogenic for Inherited breast cancer and ovarian cancer. Last evaluated: 2026-09-25. Review status: criteria provided, single submitter. Criteria: CanVIG CHEK2 Gene Specific V1.2. Collection method: clinical testing. Allele origin: germline. Affected: yes.
Comment: PM2_supporting, PVS1_very-strong, PM5_supporting

Praxis Für Humangenetik, Biosciencia MVZ Labor Saar
Classification: Pathogenic for Hereditary cancer-predisposing syndrome. Last evaluated: 2026-06-22. Review status: criteria provided, single submitter. Criteria: ACMG Guidelines, 2015. Collection method: clinical testing. Allele origin: germline. Affected: yes.
Comment: PVS1, PM2, PP5

Ambry Genetics
Classification: Pathogenic for Hereditary cancer-predisposing syndrome. Last evaluated: 2025-10-22. Review status: criteria provided, single submitter. Criteria: Ambry Variant Classification Scheme 2023. Collection method: clinical testing. Allele origin: germline.
Comment: The c.629_632delCAGT pathogenic mutation, located in coding exon 4 of the CHEK2 gene, results from a deletion of 4 nucleotides at nucleotide positions 629 to 632, causing a translational frameshift with a predicted alternate stop codon (p.S210Ffs*6). This alteration is expected to result in loss of function by premature protein truncation or nonsense-mediated mRNA decay. As such, this alteration is interpreted as a disease-causing mutation. Based on the supporting evidence, this variant is interpreted as a disease-causing mutation.

Labcorp Genetics (formerly Invitae), Labcorp
Classification: Pathogenic for Familial cancer of breast. Last evaluated: 2024-05-22. Review status: criteria provided, single submitter. Criteria: Invitae Variant Classification Sherloc (09022015). Collection method: clinical testing. Allele origin: germline.
Comment: This sequence change creates a premature translational stop signal (p.Ser210Phefs*6) in the CHEK2 gene. It is expected to result in an absent or disrupted protein product. Loss-of-function variants in CHEK2 are known to be pathogenic (PMID: 21876083, 24713400). This variant is present in population databases (rs756131136, gnomAD 0.001%). This premature translational stop signal has been observed in individual(s) with breast and/or ovarian cancer (PMID: 26534844, 26786923). ClinVar contains an entry for this variant (Variation ID: 265588). For these reasons, this variant has been classified as Pathogenic.

Blueprint Genetics
Classification: Pathogenic for CHEK2-related disorders. Last evaluated: 2024-02-21. Review status: criteria provided, single submitter. Criteria: ACMG Guidelines, 2015. Collection method: clinical testing. Allele origin: germline. Affected: yes. Observed: 1 variant allele.

Baylor Genetics
Classification: Pathogenic for Familial cancer of breast. Last evaluated: 2024-02-19. Review status: criteria provided, single submitter. Criteria: ACMG Guidelines, 2015. Collection method: clinical testing. Allele origin: unknown.

Myriad Genetics, Inc.
Classification: Pathogenic for Familial cancer of breast. Last evaluated: 2023-06-26. Review status: criteria provided, single submitter. Criteria: Myriad Autosomal Dominant, Autosomal Recessive and X-Linked Classification Criteria (2023). Collection method: clinical testing. Allele origin: unknown.
Comment: This variant is considered pathogenic. This variant creates a frameshift predicted to result in premature protein truncation.

Color Diagnostics, LLC DBA Color Health
Classification: Pathogenic for Hereditary cancer-predisposing syndrome. Last evaluated: 2021-07-06. Review status: criteria provided, single submitter. Criteria: ACMG Guidelines, 2015. Collection method: clinical testing. Allele origin: germline.
Comment: This variant deletes 4 nucleotides in exon 5 of the CHEK2 gene, creating a frameshift and premature translation stop signal. This variant is expected to result in an absent or non-functional protein product. This variant has been reported in individuals affected with breast and/or ovarian cancer in the literature (PMID: 26534844, 26786923). This variant has been identified in 1/227036 chromosomes in the general population by the Genome Aggregation Database (gnomAD). Loss of CHEK2 function is a known mechanism of disease. Based on the available evidence, this variant is classified as Pathogenic.

CeGaT Center for Human Genetics Tuebingen
Classification: Pathogenic. Last evaluated: 2020-07-01. Review status: criteria provided, single submitter. Criteria: CeGaT Center For Human Genetics Tuebingen Variant Classification Criteria Version 2. Collection method: clinical testing. Allele origin: germline. Affected: yes. Observed: 2 variant alleles.

Clinical Genetics and Genomics, Karolinska University Hospital
Classification: Likely pathogenic. Last evaluated: 2020-03-25. Review status: criteria provided, single submitter. Criteria: ACMG Guidelines, 2015. Collection method: clinical testing. Allele origin: germline. Affected: yes. Observed: 1 variant allele.

GeneDx
Classification: Likely pathogenic. Last evaluated: 2017-06-29. Review status: criteria provided, single submitter. Criteria: GeneDx Variant Classification (06012015). Collection method: clinical testing. Allele origin: germline. Affected: yes.
Comment: This deletion of four nucleotides in CHEK2 is denoted c.629_632delCAGT at the cDNA level and p.Ser210PhefsX6 (S210FfsX6) at the protein level. The normal sequence, with the bases that are deleted in brackets, is CAGT[delCAGT]TTAT. The deletion causes a frameshift which changes a Serine to a Phenylalanine at codon 210, and creates a premature stop codon at position 6 of the new reading frame. This variant is predicted to cause loss of normal protein function through either protein truncation or nonsense-mediated mRNA decay. CHEK2 c.629_632delCAGT, also known as c.758_761delCAGT (p.Ser253PhefsX6) based on an alternate transcript, has been observed in at least three individuals with a personal and/or family history of breast and/or ovarian cancer (Bernards 2016, Li 2016, Thompson 2016). Based on the currently available information, we consider this deletion to be a likely pathogenic variant.

Juno Genomics, Hangzhou Juno Genomics, Inc
Classification: Pathogenic for CHEK2-related cancer predisposition; Bone osteosarcoma; Familial prostate cancer. Review status: criteria provided, single submitter. Criteria: ACMG Guidelines, 2015. Collection method: clinical testing. Allele origin: germline.
Comment: Absent from controls (or at extremely low frequency if recessive) in Genome Aggregation Database.;Null variant in a gene where loss of function (LOF) is a known mechanism of disease.;The prevalence of the variant in affected individuals is significantly increased compared to the prevalence in controls.

Literature cited by the submitters: PubMed 26534844 (cited by Ambry Genetics and Labcorp Genetics (formerly Invitae), Labcorp); PubMed 21876083 (cited by Labcorp Genetics (formerly Invitae), Labcorp); PubMed 24713400 (cited by Labcorp Genetics (formerly Invitae), Labcorp); PubMed 26786923 (cited by Labcorp Genetics (formerly Invitae), Labcorp).

NM_007194.4(CHEK2):c.629_632del (p.Ser210fs)

Gene: CHEK2 (checkpoint kinase 2; minus strand). Cytogenetic location: 22q12.1.
Variant type: Microsatellite.
Coding change: c.629_632del on transcript NM_007194.4 (MANE Select); coding-DNA positions 629 to 632, 4 bases deleted (CAGT; older notation c.629_632delCAGT).
Protein change: p.Ser210fs; shifts the reading frame from serine 210.
Molecular consequence: frameshift variant. On other transcripts: 5 prime UTR variant (2), intron variant (1).
Genome position (GRCh38, 1-based): chr22:28,719,446-28,719,449, ACTG deleted on the plus strand (CAGT on the coding strand, the reverse complement: CHEK2 is on the minus strand); deleting any 4 consecutive bases within chr22:28,719,446-28,719,454 gives the same sequence; the c. name uses the placement nearest the transcript's 3' end. VCF-style (leftmost placement, unchanged base first): chr22-28719445-AACTG-A. GRCh37 (hg19) VCF-style: chr22-29115433-AACTG-A.
Other names: c.629_632del (NM_007194.3); c.758_761del, p.Ser253fs (NM_001005735.3, NM_001438294.1); c.-39CAGT[1] (NM_001257387.3, NM_001437942.1); c.722_725del, p.Ser241fs (NM_001438293.1, NM_001438295.1); c.629_632del, p.Ser210fs (NM_145862.3); c.482+5437_482+5440del (NM_001349956.3); short protein forms S210fs, S253fs, S241fs.
Identifiers: ClinVar variation 265588 (VCV000265588.63), dbSNP rs756131136, ClinGen allele CA10167928.